The following is an entry in ClinVar:

NM_001103.4(ACTN2):c.2155-3T>C

Gene: ACTN2 (actinin alpha 2; plus strand). Cytogenetic location: 1q43.
Variant type: single nucleotide variant.
Coding change: c.2155-3T>C on transcript NM_001103.4 (MANE Select); 3 bases into the intron before coding-DNA position 2155, T replaced by C.
Molecular consequence: intron variant.
Genome position (GRCh38, 1-based): chr1:236,757,483, T>C. VCF-style: chr1-236757483-T-C. GRCh37 (hg19) VCF-style: chr1-236920783-T-C.
Other names: c.1531-3T>C (NM_001278344.2); c.2155-3T>C (NM_001278343.2).
Identifiers: ClinVar variation 958467 (VCV000958467.10), dbSNP rs764437378, ClinGen allele CA1473366.
Genomic context (GRCh38, chr1:236,757,483, plus strand): 5'-AAAGAGGCAGAGTTGACATGCTGGAGAGACTTAGAACTGATCTTTCCCCTTTTCCCTCAA[T>C]AGCACATTCGTGTTGGATGGGAGCTGCTGCTGACAACCATCGCCAGAACCATCAATGAGG-3'

ClinVar aggregate classification (germline): Uncertain significance (1 of 4 stars; one submission).

Conditions:
Dilated cardiomyopathy 1AA (CMD1AA). Also called: CARDIOMYOPATHY, DILATED, 1AA, WITH OR WITHOUT LEFT VENTRICULAR NONCOMPACTION; CARDIOMYOPATHY, FAMILIAL HYPERTROPHIC, 23, WITH OR WITHOUT LEFT VENTRICULAR NONCOMPACTION; Cardiomyopathy, dilated, 1AA, with or without LVNC. Identifiers: Orphanet 154, MedGen C2677338, MONDO:0012808, OMIM 612158.
Primary familial hypertrophic cardiomyopathy (HCM). Identifiers: Orphanet 99739, MedGen C0949658, MeSH D024741, MONDO:0024573. Inheritance: Various modes of inheritance.

Allele frequency attached by ClinVar (database versions not stated): ExAC 0.00001; gnomAD 0.00001; gnomAD exomes 0.00001; TOPMed 0.00002.
gnomAD v4.1: 4 of 1,614,012 alleles (0.00025%); highest among the groups gnomAD compares: Admixed American, 0.0067%; no homozygotes.

Submission:

Labcorp Genetics (formerly Invitae), Labcorp
Classification: Uncertain significance for Primary familial hypertrophic cardiomyopathy; Dilated cardiomyopathy 1AA. Last evaluated: 2026-01-09. Review status: criteria provided, single submitter. Criteria: Invitae Variant Classification Sherloc (09022015). Collection method: clinical testing. Allele origin: germline.
Comment: This sequence change falls in intron 17 of the ACTN2 gene. It does not directly change the encoded amino acid sequence of the ACTN2 protein. It affects a nucleotide within the consensus splice site. This variant is present in population databases (rs764437378, gnomAD 0.01%). This variant has not been reported in the literature in individuals affected with ACTN2-related conditions. ClinVar contains an entry for this variant (Variation ID: 958467). Variants that disrupt the consensus splice site are a relatively common cause of aberrant splicing (PMID: 17576681, 9536098). Algorithms developed to predict the effect of sequence changes on RNA splicing suggest that this variant is not likely to affect RNA splicing. In summary, the available evidence is currently insufficient to determine the role of this variant in disease. Therefore, it has been classified as a Variant of Uncertain Significance.

Literature cited by the submitters: PubMed 17576681; PubMed 9536098.